The following is an entry in ClinVar:

ClinVar aggregate classification (germline): Uncertain significance. Review status: criteria provided, multiple submitters, no conflicts (2 of 4 stars). 2 submissions from 2 submitters: Uncertain significance (2). Last evaluated 2017-02-23.

Conditions:
Polycystic kidney disease, adult type (PKD1). Also called: POLYCYSTIC KIDNEY DISEASE, ADULT, TYPE I; Polycystic Kidney, Autosomal Dominant; POLYCYSTIC KIDNEY DISEASE 1 WITH OR WITHOUT POLYCYSTIC LIVER DISEASE; Polycystic Kidney Disease 1, Autosomal Dominant; Polycystic kidney disease 1; Polycystic kidney disease 1, severe. Identifiers: MedGen C3149841, MONDO:0008263, OMIM 173900.

Allele frequency attached by ClinVar (database versions not stated): gnomAD exomes 0.00001 and 0.00003; TOPMed 0.00001.
gnomAD v4.1: 17 of 1,463,894 alleles (0.0012%); highest among the groups gnomAD compares: East Asian, 0.023%; no homozygotes.

Submissions (2):

Athena Diagnostics
Classification: Uncertain significance. Last evaluated: 2017-02-23. Review status: criteria provided, single submitter. Criteria: Athena Diagnostics Criteria. Collection method: clinical testing. Allele origin: germline.

Juno Genomics, Hangzhou Juno Genomics, Inc
Classification: Uncertain significance for Polycystic kidney disease, adult type. Review status: criteria provided, single submitter. Criteria: ACMG Guidelines, 2015. Collection method: clinical testing. Allele origin: germline.
Comment: Absent from controls (or at extremely low frequency if recessive) in Genome Aggregation Database.;Multiple lines of computational evidence suggest no impact on gene or gene product.;Patient's phenotype or family history is highly specific for a disease with a single genetic etiology.

NM_001009944.3(PKD1):c.461C>T (p.Thr154Met)

Gene: PKD1 (polycystin 1, transient receptor potential channel interacting; minus strand). Cytogenetic location: 16p13.3.
Variant type: single nucleotide variant.
Coding change: c.461C>T on transcript NM_001009944.3 (MANE Select); coding-DNA position 461, C replaced by T.
Protein change: p.Thr154Met; replaces threonine 154 with methionine.
Molecular consequence: missense variant.
Genome position (GRCh38, 1-based): chr16:2,118,744, G>A on the plus strand (C>T on the coding strand, the complement: PKD1 is on the minus strand). VCF-style: chr16-2118744-G-A. GRCh37 (hg19) VCF-style: chr16-2168745-G-A.
Other names: c.461C>T, p.Thr154Met (NM_000296.4); short protein forms T154M.
Identifiers: ClinVar variation 447983 (VCV000447983.3), dbSNP rs1441482246, ClinGen allele CA394395400.